The following is an entry in ClinVar:

ClinVar aggregate classification (germline): Pathogenic. Review status: criteria provided, multiple submitters, no conflicts (2 of 4 stars). 3 submissions from 3 submitters: Pathogenic (3). Last evaluated 2025-10-08.

Conditions:
Hereditary cancer-predisposing syndrome. Also called: Neoplastic Syndromes, Hereditary; Tumor predisposition; Hereditary neoplastic syndrome; Hereditary Cancer Syndrome. Identifiers: Orphanet 140162, MedGen C0027672, MeSH D009386, MONDO:0015356.
BAP1-related tumor predisposition syndrome (TPDS1). Also called: Tumor susceptibility linked to germline BAP1 mutations; BAP1 tumor predisposition syndrome; TUMOR PREDISPOSITION SYNDROME 1; COMMON Syndrome. Identifiers: Orphanet 289539, MedGen C3280492, MONDO:0013692, OMIM 614327.

Submissions (3):

Labcorp Genetics (formerly Invitae), Labcorp
Classification: Pathogenic for BAP1-related tumor predisposition syndrome. Last evaluated: 2025-10-08. Review status: criteria provided, single submitter. Criteria: Invitae Variant Classification Sherloc (09022015). Collection method: clinical testing. Allele origin: germline.
Comment: This sequence change creates a premature translational stop signal (p.Tyr401*) in the BAP1 gene. It is expected to result in an absent or disrupted protein product. Loss-of-function variants in BAP1 are known to be pathogenic (PMID: 21874000, 23684012). This variant is not present in population databases (gnomAD no frequency). This variant has not been reported in the literature in individuals affected with BAP1-related conditions. ClinVar contains an entry for this variant (Variation ID: 346120). For these reasons, this variant has been classified as Pathogenic.

Ambry Genetics
Classification: Pathogenic for Hereditary cancer-predisposing syndrome. Last evaluated: 2023-10-31. Review status: criteria provided, single submitter. Criteria: Ambry Variant Classification Scheme 2023. Collection method: clinical testing. Allele origin: germline.
Comment: The c.1202_1203delAT pathogenic mutation, located in coding exon 12 of the BAP1 gene, results from a deletion of two nucleotides at nucleotide positions 1202 to 1203, causing a translational frameshift with a predicted alternate stop codon (p.Y401*). This variant is considered to be rare based on population cohorts in the Genome Aggregation Database (gnomAD). This alteration is expected to result in loss of function by premature protein truncation or nonsense-mediated mRNA decay. As such, this alteration is interpreted as a disease-causing mutation.

Color Diagnostics, LLC DBA Color Health
Classification: Pathogenic for Hereditary cancer-predisposing syndrome. Last evaluated: 2020-01-15. Review status: criteria provided, single submitter. Criteria: ACMG Guidelines, 2015. Collection method: clinical testing. Allele origin: germline.
Comment: This variant deletes 2 nucleotides in exon 12 of the BAP1 gene, creating a frameshift and premature translation stop signal. This variant is expected to result in an absent or non-functional protein product. This variant has not been identified in the general population by the Genome Aggregation Database (gnomAD). Loss of BAP1 function is a known mechanism of disease. Based on the available evidence, this variant is classified as Pathogenic.

Literature cited by the submitters: PubMed 21874000 (cited by Labcorp Genetics (formerly Invitae), Labcorp); PubMed 23684012 (cited by Labcorp Genetics (formerly Invitae), Labcorp).

NM_004656.4(BAP1):c.1202_1203del (p.Asp400_Tyr401insTer)

Gene: BAP1 (BRCA1 associated deubiquitinase 1; minus strand). Cytogenetic location: 3p21.1.
Variant type: Deletion.
Coding change: c.1202_1203del on transcript NM_004656.4 (MANE Select); coding-DNA positions 1202 to 1203, 2 bases deleted (AT; older notation c.1202_1203delAT).
Protein change: p.Asp400_Tyr401insTer.
Molecular consequence: nonsense.
Genome position (GRCh38, 1-based): chr3:52,404,500-52,404,501, AT deleted on the plus strand (AT on the coding strand, the reverse complement: BAP1 is on the minus strand); deleting any 2 consecutive bases within chr3:52,404,500-52,404,502 gives the same sequence; the c. name uses the placement nearest the transcript's 3' end. VCF-style (leftmost placement, unchanged base first): chr3-52404499-CAT-C. GRCh37 (hg19) VCF-style: chr3-52438515-CAT-C.
Other names: c.1202_1203del (NM_004656.3).
Identifiers: ClinVar variation 346120 (VCV000346120.17), dbSNP rs886058705, ClinGen allele CA10616993.